The following is an entry in ClinVar:

ClinVar aggregate classification (germline): Uncertain significance. Review status: criteria provided, multiple submitters, no conflicts (2 of 4 stars). 7 submissions from 7 submitters: Uncertain significance (6). 1 of the submissions does not count toward it. Last evaluated 2023-07-26.

Conditions:
Fanconi anemia complementation group D2. Also called: FANCD2-Related Fanconi Anemia; FANCONI PANCYTOPENIA, TYPE 4; FANCONI ANEMIA, COMPLEMENTATION GROUP D. Identifiers: Orphanet 84, MedGen C3160738, MONDO:0009214, OMIM 227646.
Fanconi anemia (FA). Also called: Fanconi's anemia. Identifiers: Orphanet 84, MedGen C0015625, MeSH D005199, MONDO:0019391.

Allele frequency attached by ClinVar (database versions not stated): gnomAD exomes 0.00001 and 0.00004; gnomAD 0.00001; ExAC 0.00002; TOPMed 0.00002.
gnomAD v4.1: 60 of 1,614,092 alleles (0.0037%); highest among the groups gnomAD compares: Non-Finnish European, 0.0049%; no homozygotes.

Submissions (7):

Labcorp Genetics (formerly Invitae), Labcorp
Classification: Uncertain significance for Fanconi anemia. Last evaluated: 2023-07-26. Review status: criteria provided, single submitter. Criteria: Invitae Variant Classification Sherloc (09022015). Collection method: clinical testing. Allele origin: germline.
Comment: ClinVar contains an entry for this variant (Variation ID: 1049571). This premature translational stop signal has been observed in individual(s) with pancreatic adenocarcinoma or ovarian cancer (PMID: 29625052, 32546565). This variant is present in population databases (rs754606069, gnomAD 0.002%). This sequence change creates a premature translational stop signal (p.Trp1450*) in the FANCD2 gene. While this is not anticipated to result in nonsense mediated decay, it is expected to disrupt the last 22 amino acid(s) of the FANCD2 protein. In summary, the available evidence is currently insufficient to determine the role of this variant in disease. Therefore, it has been classified as a Variant of Uncertain Significance.

Blueprint Genetics
Classification: Uncertain significance. Last evaluated: 2023-06-01. Review status: criteria provided, single submitter. Criteria: ACMG Guidelines, 2015. Collection method: clinical testing. Allele origin: germline.

Women's Health and Genetics/Laboratory Corporation of America, LabCorp
Classification: Uncertain significance. Last evaluated: 2022-03-29. Review status: criteria provided, single submitter. Criteria: LabCorp Variant Classification Summary - May 2015. Collection method: clinical testing. Allele origin: germline.
Comment: Variant summary: FANCD2 c.4350G>A (p.Trp1450X) located in the last exon results in a premature termination codon, predicted to cause a truncation of the encoded protein or absence of the protein due to nonsense mediated decay, which are commonly known mechanisms for disease. Truncations downstream of this position have not been observed at our laboratory. The variant allele was found at a frequency of 8e-06 in 251470 control chromosomes. To our knowledge, no occurrence of c.4350G>A in individuals affected with Fanconi Anemia and no experimental evidence demonstrating its impact on protein function have been reported. No clinical diagnostic laboratories have submitted clinical-significance assessments for this variant to ClinVar after 2014. Based on the evidence outlined above, the variant was classified as VUS-possibly pathogenic.

Fulgent Genetics
Classification: Uncertain significance for Fanconi anemia complementation group D2. Last evaluated: 2022-03-07. Review status: criteria provided, single submitter. Criteria: ACMG Guidelines, 2015. Collection method: clinical testing. Allele origin: unknown.

Sema4
Classification: Uncertain significance for Fanconi anemia. Last evaluated: 2022-03-01. Review status: criteria provided, single submitter. Criteria: Sema4 Curation Guidelines. Collection method: curation. Allele origin: germline.
Comment: The FANCD2 c.4350G>A (p.W1450X) variant has been reported in heterozygosity in an individual with pancreatic cancer, as well as in a healthy control (PMID: 29625052, 32546565). This nonsense variant creates a premature stop codon at residue 4150 in the last exon of the FANCD2 protein, and results in less than 2% protein loss. As this variant is not predicted to cause nonsense-mediated decay, the potential impact of the protein truncation is unclear. It was observed in 2/113748 chromosomes of the Non-Finnish European subpopulation, in the large and broad cohorts of the Genome Aggregation Database (PMID: 32461654). The variant has been reported in ClinVar (Variation ID: 1049571). The evidence is insufficient to meet ACMG/AMP criteria for classifying the variant as benign or pathogenic. Thus, the clinical significance of this variant is currently uncertain.

Genetic Services Laboratory, University of Chicago
Classification: Uncertain significance. Last evaluated: 2021-08-26. Review status: criteria provided, single submitter. Criteria: ACMG Guidelines, 2015. Collection method: clinical testing. Allele origin: germline. Affected: no.
Comment: DNA sequence analysis of the FANCD2 gene demonstrated a sequence change, c.4350G>A, which results in the creation of a premature stop codon at amino acid position 1450, p.Trp1450*. This sequence change occurs in the last exon of the FANCD2 gene and may produce a truncated protein that escapes nonsense mediated decay. This sequence change has been described in the gnomAD database with a frequency of 0.0018% in the non-Finnish European subpopulation (dbSNP rs754606069). This sequence change has previously been described in a individual with pancreatic adenocarcinoma (PMID: 29625052). Due to insufficient evidences and the lack of functional studies, the clinical significance of the c.4350G>A change remains unknown at this time.

Department of Pathology and Laboratory Medicine, Sinai Health System
Classification: Uncertain significance. Review status: no assertion criteria provided. Collection method: clinical testing. Allele origin: unknown. Affected: yes. Study: The Canadian Open Genetics Repository (COGR). Not counted in ClinVar's aggregate classification.
Comment: The FANCD2 p.W1450* variant was not identified in the literature nor was it identified in ClinVar or LOVD 3.0. The variant was identified in Cosmic, dbSNP (ID: rs754606069) and in control databases in 2 of 251470 chromosomes at a frequency of 0.000007953 (Genome Aggregation Database March 6, 2019, v2.1.1). The variant was observed in the European (non-Finnish) population in 2 of 113748 chromosomes (freq: 0.000018), but was not observed in the African, Latino, Ashkenazi Jewish, East Asian, European (Finnish), Other, or South Asian populations. The c.4350G>A variant leads to a premature stop codon at position 1450, however this occurs in the last exon of the FANCD2 gene and results in less than a 10% protein loss; therefore the potential impact on the protein is unclear. The variant occurs outside of the splicing consensus sequence and in silico or computational prediction software programs (SpliceSiteFinder, MaxEntScan, NNSPLICE, GeneSplicer) do not predict a difference in splicing. In summary, based on the above information the clinical significance of this variant cannot be determined with certainty at this time. This variant is classified as a variant of uncertain significance.

Literature cited by the submitters: PubMed 29625052 (cited by Labcorp Genetics (formerly Invitae), Labcorp and Sema4); PubMed 32546565 (cited by Labcorp Genetics (formerly Invitae), Labcorp and Sema4).

NM_001018115.3(FANCD2):c.4281+69G>A

Genes: FANCD2 (FA complementation group D2; plus strand), FANCD2OS (FANCD2 opposite strand; minus strand). Cytogenetic location: 3p25.3.
Variant type: single nucleotide variant.
Coding change: c.4281+69G>A on transcript NM_001018115.3 (MANE Select); 69 bases into the intron after coding-DNA position 4281, G replaced by A.
Molecular consequence: intron variant. On other transcripts: nonsense (2).
Genome position (GRCh38, 1-based): chr3:10,098,884, G>A. VCF-style: chr3-10098884-G-A. GRCh37 (hg19) VCF-style: chr3-10140568-G-A.
Other names: c.4311G>A, p.Trp1437Ter (NM_001374254.1); c.4350G>A, p.Trp1450Ter (NM_033084.6); c.4281+69G>A (NM_001319984.2); c.4170+69G>A (NM_001374253.1); c.*43+5314C>T (NM_173472.2); short protein forms W1437*, W1450*.
Identifiers: ClinVar variation 1049571 (VCV001049571.10), dbSNP rs754606069, ClinGen allele CA2250676.